The following is an entry in ClinVar:

ClinVar aggregate classification (germline): Benign; risk factor. Review status: no assertion criteria provided (0 of 4 stars). 2 submissions from 2 submitters: Benign (1). Last evaluated 2019-10-17.

Conditions:
IRS2-related disorder. Also called: IRS2-related condition.
Type 2 diabetes mellitus. Also called: Type II diabetes mellitus. Identifiers: MedGen C0011860, MeSH D003924, MONDO:0005148, OMIM 125853, HP:0005978.

Allele frequency attached by ClinVar (database versions not stated): 1000 Genomes Project 30x 0.27826; gnomAD 0.28721 and 0.28401; TOPMed 0.28747; gnomAD exomes 0.33283 and 0.34997; 1000 Genomes Project 0.28335; ExAC 0.38205.
gnomAD v4.1: 512,566 of 1,562,240 alleles (33%); highest among the groups gnomAD compares: Admixed American, 44%; 86,943 homozygotes.

Submissions (2):

PreventionGenetics, part of Exact Sciences
Classification: Benign for IRS2-related condition. Last evaluated: 2019-10-17. Review status: no assertion criteria provided. Collection method: clinical testing. Allele origin: germline.
Comment: This variant is classified as benign based on ACMG/AMP sequence variant interpretation guidelines (Richards et al. 2015 PMID: 25741868, with internal and published modifications).

OMIM
Classification: risk factor for TYPE 2 DIABETES, SUSCEPTIBILITY TO. Last evaluated: 2001-10-01. Review status: no assertion criteria provided. Collection method: literature only. Allele origin: germline.

Literature cited by the submitters: PubMed 11030756 (cited by OMIM); PubMed 11600548 (cited by OMIM).

NM_003749.3(IRS2):c.3170G>A (p.Gly1057Asp)

Gene: IRS2 (insulin receptor substrate 2; minus strand). Cytogenetic location: 13q34.
Variant type: single nucleotide variant.
Coding change: c.3170G>A on transcript NM_003749.3 (MANE Select); coding-DNA position 3170, G replaced by A.
Protein change: p.Gly1057Asp; replaces glycine 1057 with aspartic acid.
Molecular consequence: missense variant.
Genome position (GRCh38, 1-based): chr13:109,782,884, C>T on the plus strand (G>A on the coding strand, the complement: IRS2 is on the minus strand). VCF-style: chr13-109782884-C-T. GRCh37 (hg19) VCF-style: chr13-110435231-C-T.
Other names: c.3170G>A (NM_003749.2); short protein forms G1057D.
Identifiers: ClinVar variation 8820 (VCV000008820.4), dbSNP rs1805097, ClinGen allele CA119944.
Genomic context (GRCh38, chr13:109,782,884, plus strand): 5'-AAAGCCATCTCGGTGTAGTCACCATTGTCCCCGGTGTCCGAGGACAACGATGAGGCGGCG[C>T]CCGGGCCCTGGGCGGTGGCAACGGCCGAGGCGGGGGGCAGGCGGTACAGCTCCCCCGGGG-3'
Protein context (NP_003740.2, residues 1047-1067): ASAVATAQGP[Gly1057Asp]AASSLSSDTG